The following is an entry in ClinVar:

NM_000431.4(MVK):c.643C>T (p.Arg215Ter)

Gene: MVK (mevalonate kinase; plus strand). Cytogenetic location: 12q24.11.
Variant type: single nucleotide variant.
Coding change: c.643C>T on transcript NM_000431.4 (MANE Select); coding-DNA position 643, C replaced by T.
Protein change: p.Arg215Ter; replaces arginine 215 with a stop codon.
Molecular consequence: nonsense.
Genome position (GRCh38, 1-based): chr12:109,586,765, C>T. VCF-style: chr12-109586765-C-T. GRCh37 (hg19) VCF-style: chr12-110024570-C-T.
Other names: c.643C>T (LRG_156t1); c.643C>T, p.Arg215Ter (NM_001114185.3); c.487C>T, p.Arg163Ter (NM_001301182.2); short protein forms R215*, R163*.
Identifiers: ClinVar variation 234379 (VCV000234379.11), dbSNP rs758026399, ClinGen allele CA6779327.

ClinVar aggregate classification (germline): Pathogenic. Review status: criteria provided, multiple submitters, no conflicts (2 of 4 stars). 3 submissions from 3 submitters: Pathogenic (3). Last evaluated 2025-06-08.

Conditions:
Deficiency of mevalonate kinase. Also called: Mevalonate kinase deficiency. Identifiers: Orphanet 309025, MedGen C0342731, MONDO:0017708.
Porokeratosis 3, disseminated superficial actinic type (POROK3). Also called: POROKERATOSIS, DISSEMINATED SUPERFICIAL ACTINIC, 1; POROKERATOSIS 3, MULTIPLE TYPES; POROKERATOSIS 3, MIBELLI TYPE. Identifiers: MedGen C1867981, MONDO:0008293, OMIM 175900.
Hyperimmunoglobulin D with periodic fever (HIDS). Also called: Hyperimmunoglobulinemia D with periodic fever; Hyperimmunoglobulinemia D; HYPERIMMUNOGLOBULINEMIA D AND PERIODIC FEVER SYNDROME. Identifiers: Orphanet 343, MedGen C0398691, MONDO:0009849, OMIM 260920.
Mevalonic aciduria (MEVA). Identifiers: Orphanet 29, MedGen C1959626, MONDO:0012481, OMIM 610377.

Allele frequency attached by ClinVar (database versions not stated): ExAC 0.00001; gnomAD exomes below 0.00001.

Submissions (3):

Labcorp Genetics (formerly Invitae), Labcorp
Classification: Pathogenic for Mevalonic aciduria; Hyperimmunoglobulin D with periodic fever; Porokeratosis 3, disseminated superficial actinic type. Last evaluated: 2025-06-08. Review status: criteria provided, single submitter. Criteria: Invitae Variant Classification Sherloc (09022015). Collection method: clinical testing. Allele origin: germline.
Comment: This sequence change creates a premature translational stop signal (p.Arg215*) in the MVK gene. It is expected to result in an absent or disrupted protein product. Loss-of-function variants in MVK are known to be pathogenic (PMID: 16835861, 17105862, 23834120). This variant is present in population databases (rs758026399, gnomAD 0.003%). This premature translational stop signal has been observed in individual(s) with mevalonate kinase deficiency (PMID: 29047407). ClinVar contains an entry for this variant (Variation ID: 234379). For these reasons, this variant has been classified as Pathogenic.

Myriad Genetics, Inc.
Classification: Pathogenic for Deficiency of mevalonate kinase. Last evaluated: 2024-08-12. Review status: criteria provided, single submitter. Criteria: Myriad Autosomal Dominant, Autosomal Recessive and X-Linked Classification Criteria (2023). Collection method: clinical testing. Allele origin: unknown.
Comment: NM_000431.2(MVK):c.643C>T(R215*) is expected to be pathogenic in the context of mevalonate kinase deficiency. This variant is predicted to lead to an abnormal or absent protein product due to the creation of a premature termination codon in MVK, a gene where loss-of-function variants are known to be pathogenic. Please note: this variant was assessed in the context of healthy population screening.

GeneDx
Classification: Pathogenic. Last evaluated: 2019-11-26. Review status: criteria provided, single submitter. Criteria: GeneDx Variant Classification Process June 2021. Collection method: clinical testing. Allele origin: germline. Affected: yes.
Comment: Identified in an unrelated patient in published literature who did not harbor a second MVK variant (Papa et al., 2017); Nonsense variant predicted to result in protein truncation or nonsense mediated decay in a gene for which loss-of-function is a known mechanism of disease; Not observed at a significant frequency in large population cohorts (Lek et al., 2016); This variant is associated with the following publications: (PMID: 29047407)

Literature cited by the submitters: PubMed 16835861 (cited by Labcorp Genetics (formerly Invitae), Labcorp); PubMed 17105862 (cited by Labcorp Genetics (formerly Invitae), Labcorp); PubMed 23834120 (cited by Labcorp Genetics (formerly Invitae), Labcorp); PubMed 29047407 (cited by Labcorp Genetics (formerly Invitae), Labcorp).